The following is an entry in ClinVar:

NM_001363711.2(DUOX2):c.2794_2796delinsAAT (p.Asp932Asn)

Gene: DUOX2 (dual oxidase 2; minus strand). Cytogenetic location: 15q21.1.
Variant type: Indel.
Coding change: c.2794_2796delinsAAT on transcript NM_001363711.2 (MANE Select); coding-DNA positions 2794 to 2796, GAC replaced by AAT.
Protein change: p.Asp932Asn; replaces aspartic acid 932 with asparagine.
Molecular consequence: missense variant.
Genome position (GRCh38, 1-based): chr15:45,101,848-45,101,850, GTC replaced by ATT on the plus strand (GAC replaced by AAT on the coding strand, the reverse complement: DUOX2 is on the minus strand). VCF-style: chr15-45101848-GTC-ATT. GRCh37 (hg19) VCF-style: chr15-45394046-GTC-ATT.
Other names: c.2794_2796delinsAAT, p.Asp932Asn (NM_014080.5); short protein forms D932N.
Identifiers: ClinVar variation 2631181 (VCV002631181.1), dbSNP rs2504756765, ClinGen allele CA2695197272.

ClinVar aggregate classification (germline): Uncertain significance (1 of 4 stars; one submission).

Conditions:
DUOX2-related disorder. Also called: DUOX2-related condition.

Submission:

PreventionGenetics, part of Exact Sciences
Classification: Uncertain significance for DUOX2-related condition. Last evaluated: 2023-08-03. Review status: criteria provided, single submitter. Criteria: ACMG Guidelines, 2015. Collection method: clinical testing. Allele origin: germline.
Comment: The DUOX2 c.2794_2796delinsAAT variant is predicted to result in an in-frame deletion and insertion. To our knowledge, this variant has not been reported in the literature or in a large population database, indicating this variant is rare. At this time, the clinical significance of this variant is uncertain due to the absence of conclusive functional and genetic evidence.